The following is an entry in ClinVar:

ClinVar aggregate classification (germline): Uncertain significance (1 of 4 stars; one submission).

Allele frequency attached by ClinVar (database versions not stated): TOPMed below 0.00001; gnomAD 0.00001; gnomAD exomes 0.00001.
gnomAD v4.1: 12 of 1,613,990 alleles (0.00074%); highest among the groups gnomAD compares: Admixed American, 0.0017%; no homozygotes.

Submission:

Labcorp Genetics (formerly Invitae), Labcorp
Classification: Uncertain significance. Last evaluated: 2022-08-16. Review status: criteria provided, single submitter. Criteria: Invitae Variant Classification Sherloc (09022015). Collection method: clinical testing. Allele origin: germline.
Comment: This sequence change replaces threonine, which is neutral and polar, with alanine, which is neutral and non-polar, at codon 1224 of the ABCC6 protein (p.Thr1224Ala). This variant is not present in population databases (gnomAD no frequency). This variant has not been reported in the literature in individuals affected with ABCC6-related conditions. Advanced modeling of protein sequence and biophysical properties (such as structural, functional, and spatial information, amino acid conservation, physicochemical variation, residue mobility, and thermodynamic stability) performed at Invitae indicates that this missense variant is not expected to disrupt ABCC6 protein function. In summary, the available evidence is currently insufficient to determine the role of this variant in disease. Therefore, it has been classified as a Variant of Uncertain Significance.

NM_001171.6(ABCC6):c.3670A>G (p.Thr1224Ala)

Gene: ABCC6 (ATP binding cassette subfamily C member 6; minus strand). Cytogenetic location: 16p13.11.
Variant type: single nucleotide variant.
Coding change: c.3670A>G on transcript NM_001171.6 (MANE Select); coding-DNA position 3670, A replaced by G.
Protein change: p.Thr1224Ala; replaces threonine 1224 with alanine.
Molecular consequence: missense variant. On other transcripts: non-coding transcript variant (1).
Genome position (GRCh38, 1-based): chr16:16,159,547, T>C on the plus strand (A>G on the coding strand, the complement: ABCC6 is on the minus strand). VCF-style: chr16-16159547-T-C. GRCh37 (hg19) VCF-style: chr16-16253404-T-C.
Other names: c.3328A>G, p.Thr1110Ala (NM_001351800.1); short protein forms T1224A, T1110A.
Identifiers: ClinVar variation 1980193 (VCV001980193.3), dbSNP rs920811008, ClinGen allele CA278628807.
Genomic context (GRCh38, chr16:16,159,547, plus strand): 5'-TGGGCGTCCAGGCATAGTCCTGCATCCGCTCCACTGACACGATGCTGTTCTCTAGGTCTG[T>C]CCAGTTGCGAACAACCCACTGCAGTGTCTGGGTCACCTGGTGCAAGAAAGCCTCTCTGGC-3'
Protein context (NP_001162.5, residues 1214-1234): QTLQWVVRNW[Thr1224Ala]DLENSIVSVE